The following is an entry in ClinVar:

ClinVar aggregate classification (germline): Benign. Review status: criteria provided, multiple submitters, no conflicts (2 of 4 stars). 3 submissions from 3 submitters: Benign (2). 1 of the submissions does not count toward it. Last evaluated 2019-12-31.

Conditions:
DNAH6-related disorder. Also called: DNAH6-related condition.

Allele frequency attached by ClinVar (database versions not stated): gnomAD exomes 0.00033 and 0.00083; ExAC 0.00158; ESP Exome Variant Server 0.00394; gnomAD 0.00395 and 0.00423; 1000 Genomes Project 0.00399; 1000 Genomes Project 30x 0.00422; TOPMed 0.00473.
gnomAD v4.1: 1,087 of 1,551,680 alleles (0.07%); highest among the groups gnomAD compares: African/African-American, 1.3%; 7 homozygotes.

Submissions (3):

Labcorp Genetics (formerly Invitae), Labcorp
Classification: Benign. Last evaluated: 2019-12-31. Review status: criteria provided, single submitter. Criteria: Invitae Variant Classification Sherloc (09022015). Collection method: clinical testing. Allele origin: germline.

Breakthrough Genomics
Classification: Benign. Review status: criteria provided, single submitter. Criteria: ACMG Guidelines, 2015. Collection method: not provided. Allele origin: germline. Inheritance: Unknown mechanism. Affected: yes.

PreventionGenetics, part of Exact Sciences
Classification: Benign for DNAH6-related condition. Last evaluated: 2019-05-06. Review status: no assertion criteria provided. Collection method: clinical testing. Allele origin: germline. Not counted in ClinVar's aggregate classification.
Comment: This variant is classified as benign based on ACMG/AMP sequence variant interpretation guidelines (Richards et al. 2015 PMID: 25741868, with internal and published modifications).

NM_001370.2(DNAH6):c.11542G>A (p.Gly3848Ser)

Gene: DNAH6 (dynein axonemal heavy chain 6; plus strand). Cytogenetic location: 2p11.2.
Variant type: single nucleotide variant.
Coding change: c.11542G>A on transcript NM_001370.2 (MANE Select); coding-DNA position 11542, G replaced by A.
Protein change: p.Gly3848Ser; replaces glycine 3848 with serine.
Molecular consequence: missense variant.
Genome position (GRCh38, 1-based): chr2:84,805,725, G>A. VCF-style: chr2-84805725-G-A. GRCh37 (hg19) VCF-style: chr2-85032849-G-A.
Other names: short protein forms G3848S.
Identifiers: ClinVar variation 790509 (VCV000790509.7), dbSNP rs77179930, ClinGen allele CA1737795.
Genomic context (GRCh38, chr2:84,805,725, plus strand): 5'-TACAAAGAGACCAGCACTTTAATCAACACCATACTTGAGGTTCAGCCAAGGTCATCTACT[G>A]GTGGAGAGGGAAAAAGCAATGACGAAATTGTTCAAGAACTTGTTGCTTCTGTCCAGACCA-3'
Protein context (NP_001361.1, residues 3838-3858): ILEVQPRSST[Gly3848Ser]GEGKSNDEIV